The following is an entry in ClinVar:

ClinVar aggregate classification (germline): Uncertain significance. Review status: criteria provided, multiple submitters, no conflicts (2 of 4 stars). 5 submissions from 4 submitters: Uncertain significance (5). Last evaluated 2023-03-02.

Conditions:
Inborn genetic diseases. Identifiers: MedGen C0950123, MeSH D030342.
Seckel syndrome 1 (SCKL1). Also called: MICROCEPHALIC PRIMORDIAL DWARFISM I. Identifiers: Orphanet 808, MedGen C4551474, MONDO:0008869, OMIM 210600.
Familial cutaneous telangiectasia and oropharyngeal predisposition cancer syndrome. Identifiers: Orphanet 313846, MedGen C3281203, MONDO:0013806, OMIM 614564.

Allele frequency attached by ClinVar (database versions not stated): gnomAD exomes below 0.00001; gnomAD 0.00001; TOPMed 0.00001.
gnomAD v4.1: 2 of 1,613,306 alleles (0.00012%); highest among the groups gnomAD compares: Admixed American, 0.0017%; no homozygotes.

Submissions (5):

Ambry Genetics
Classification: Uncertain significance for Inborn genetic diseases. Last evaluated: 2023-03-02. Review status: criteria provided, single submitter. Criteria: Ambry Variant Classification Scheme 2023. Collection method: clinical testing. Allele origin: germline.
Comment: The p.D698N variant (also known as c.2092G>A), located in coding exon 10 of the ATR gene, results from a G to A substitution at nucleotide position 2092. The aspartic acid at codon 698 is replaced by asparagine, an amino acid with highly similar properties. This amino acid position is conserved. In addition, this alteration is predicted to be tolerated by in silico analysis. Since supporting evidence is limited at this time, the clinical significance of this alteration remains unclear.

Genome-Nilou Lab
Classification: Uncertain significance for Seckel syndrome 1. Last evaluated: 2023-02-08. Review status: criteria provided, single submitter. Criteria: ACMG Guidelines, 2015. Collection method: clinical testing. Allele origin: germline.

Genome-Nilou Lab
Classification: Uncertain significance for Familial cutaneous telangiectasia and oropharyngeal predisposition cancer syndrome. Last evaluated: 2023-02-08. Review status: criteria provided, single submitter. Criteria: ACMG Guidelines, 2015. Collection method: clinical testing. Allele origin: germline.

Labcorp Genetics (formerly Invitae), Labcorp
Classification: Uncertain significance. Last evaluated: 2021-02-02. Review status: criteria provided, single submitter. Criteria: Invitae Variant Classification Sherloc (09022015). Collection method: clinical testing. Allele origin: germline.
Comment: This variant is not present in population databases (ExAC no frequency). This sequence change replaces aspartic acid with asparagine at codon 698 of the ATR protein (p.Asp698Asn). The aspartic acid residue is moderately conserved and there is a small physicochemical difference between aspartic acid and asparagine. This variant has not been reported in the literature in individuals with ATR-related conditions. ClinVar contains an entry for this variant (Variation ID: 434453). In summary, the available evidence is currently insufficient to determine the role of this variant in disease. Therefore, it has been classified as a Variant of Uncertain Significance. Algorithms developed to predict the effect of missense changes on protein structure and function are either unavailable or do not agree on the potential impact of this missense change (SIFT: "Tolerated"; PolyPhen-2: "Probably Damaging"; Align-GVGD: "Class C0").

Genetic Services Laboratory, University of Chicago
Classification: Uncertain significance. Last evaluated: 2016-10-20. Review status: criteria provided, single submitter. Criteria: ACMG Guidelines, 2015. Collection method: clinical testing. Allele origin: germline. Affected: no.

NM_001184.4(ATR):c.2092G>A (p.Asp698Asn)

Gene: ATR (ATR checkpoint kinase; minus strand). Cytogenetic location: 3q23.
Variant type: single nucleotide variant.
Coding change: c.2092G>A on transcript NM_001184.4 (MANE Select); coding-DNA position 2092, G replaced by A.
Protein change: p.Asp698Asn; replaces aspartic acid 698 with asparagine.
Molecular consequence: missense variant.
Genome position (GRCh38, 1-based): chr3:142,556,126, C>T on the plus strand (G>A on the coding strand, the complement: ATR is on the minus strand). VCF-style: chr3-142556126-C-T. GRCh37 (hg19) VCF-style: chr3-142274968-C-T.
Other names: c.1900G>A, p.Asp634Asn (NM_001354579.2); short protein forms D698N, D634N.
Identifiers: ClinVar variation 434453 (VCV000434453.16), dbSNP rs1553770633, ClinGen allele CA354819015.